The following is an entry in ClinVar:

NM_000548.5(TSC2):c.4704C>T (p.Ser1568=)

Gene: TSC2 (TSC complex subunit 2; plus strand). Cytogenetic location: 16p13.3.
Variant type: single nucleotide variant.
Coding change: c.4704C>T on transcript NM_000548.5 (MANE Select); coding-DNA position 4704, C replaced by T.
Protein change: p.Ser1568=; no amino-acid change (serine 1568 retained).
Molecular consequence: synonymous variant.
Genome position (GRCh38, 1-based): chr16:2,086,234, C>T. VCF-style: chr16-2086234-C-T. GRCh37 (hg19) VCF-style: chr16-2136235-C-T.
Other names: c.4704C>T (NM_000548.3); c.4503C>T, p.Ser1501= (NM_001077183.3); c.4635C>T, p.Ser1545= (NM_001114382.3); c.4395C>T, p.Ser1465= (NM_001318827.2); c.4359C>T, p.Ser1453= (NM_001318829.2); c.3972C>T, p.Ser1324= (NM_001318831.2); c.4536C>T, p.Ser1512= (NM_001318832.2); c.4506C>T, p.Ser1502= (NM_001363528.2); and 2 more.
Identifiers: ClinVar variation 1124252 (VCV001124252.12), dbSNP rs916198158, ClinGen allele CA276756154.

ClinVar aggregate classification (germline): Conflicting classifications of pathogenicity. Review status: criteria provided, conflicting classifications (1 of 4 stars). 4 submissions from 4 submitters: Uncertain significance (1); Likely benign (3). Last evaluated 2026-01-31.

Conditions:
Hereditary cancer-predisposing syndrome. Also called: Neoplastic Syndromes, Hereditary; Tumor predisposition; Hereditary Cancer Syndrome; Hereditary neoplastic syndrome. Identifiers: Orphanet 140162, MedGen C0027672, MeSH D009386, MONDO:0015356.
Tuberous sclerosis syndrome (TSC). Also called: Tuberous Sclerosis Complex; Tuberous sclerosis. Identifiers: Orphanet 805, MedGen C0041341, MONDO:0001734.
Tuberous sclerosis 2 (TSC2). Identifiers: Orphanet 805, MedGen C1860707, MONDO:0013199, OMIM 613254.

Allele frequency attached by ClinVar (database versions not stated): gnomAD exomes below 0.00001; gnomAD 0.00001.
gnomAD v4.1: 2 of 1,612,624 alleles (0.00012%); highest among the groups gnomAD compares: Admixed American, 0.0017%; no homozygotes.

Submissions (4):

Labcorp Genetics (formerly Invitae), Labcorp
Classification: Likely benign for Tuberous sclerosis 2. Last evaluated: 2026-01-31. Review status: criteria provided, single submitter. Criteria: Invitae Variant Classification Sherloc (09022015). Collection method: clinical testing. Allele origin: germline.

All of Us Research Program, National Institutes of Health
Classification: Likely benign for Tuberous sclerosis syndrome. Last evaluated: 2024-08-23. Review status: criteria provided, single submitter. Criteria: ACMG Guidelines, 2015. Collection method: clinical testing. Allele origin: germline. Inheritance: Autosomal dominant inheritance. Observed: 2 variant alleles, 2 heterozygotes.
Comment: This study involves interpretation of variants in research participants for the purpose of population health screening. Participant phenotype was not available at the time of variant classification. Additional details can be found in publication PMID: 35346344, PMCID: PMC8962531

Ambry Genetics
Classification: Uncertain significance for Hereditary cancer-predisposing syndrome. Last evaluated: 2024-04-12. Review status: criteria provided, single submitter. Criteria: Ambry Variant Classification Scheme 2023. Collection method: clinical testing. Allele origin: germline.
Comment: The c.4704C>T variant (also known as p.S1568S), located in coding exon 36 of the TSC2 gene, results from a C to T substitution at nucleotide position 4704. This nucleotide substitution does not change the serine at codon 1568. This nucleotide position is not well conserved in available vertebrate species. In silico splice site analysis for this alteration is inconclusive. Based on the available evidence, the clinical significance of this variant remains unclear.

Color Diagnostics, LLC DBA Color Health
Classification: Likely benign for Tuberous sclerosis syndrome. Last evaluated: 2023-01-05. Review status: criteria provided, single submitter. Criteria: ACMG Guidelines, 2015. Collection method: clinical testing. Allele origin: germline.